The following is an entry in ClinVar:

NM_001312909.2(FAM111A):c.1174G>A (p.Gly392Arg)

Gene: FAM111A (FAM111 trypsin like peptidase A; plus strand). Cytogenetic location: 11q12.1.
Variant type: single nucleotide variant.
Coding change: c.1174G>A on transcript NM_001312909.2 (MANE Select); coding-DNA position 1174, G replaced by A.
Protein change: p.Gly392Arg; replaces glycine 392 with arginine.
Molecular consequence: missense variant.
Genome position (GRCh38, 1-based): chr11:59,152,842, G>A. VCF-style: chr11-59152842-G-A. GRCh37 (hg19) VCF-style: chr11-58920315-G-A.
Other names: c.1174G>A, p.Gly392Arg (NM_001142519.3, NM_001142520.3, NM_001142521.3 and 29 more transcripts); short protein forms G392R.
Identifiers: ClinVar variation 4975298 (VCV004975298.1).

ClinVar aggregate classification (germline): Uncertain significance (1 of 4 stars; one submission).

Submission:

GeneDx
Classification: Uncertain significance. Last evaluated: 2026-01-26. Review status: criteria provided, single submitter. Criteria: GeneDx Variant Classification Process June 2021. Collection method: clinical testing. Allele origin: germline.
Comment: Not observed at significant frequency in large population cohorts (gnomAD); In silico analysis supports that this missense variant has a deleterious effect on protein structure/function; Has not been previously published as pathogenic or benign to our knowledge